The following is an entry in ClinVar:

NM_006648.4(WNK2):c.4630T>C (p.Phe1544Leu)

Gene: WNK2 (WNK lysine deficient protein kinase 2; plus strand). Cytogenetic location: 9q22.31.
Variant type: single nucleotide variant.
Coding change: c.4630T>C on transcript NM_006648.4 (MANE Select); coding-DNA position 4630, T replaced by C.
Protein change: p.Phe1544Leu; replaces phenylalanine 1544 with leucine.
Molecular consequence: missense variant.
Genome position (GRCh38, 1-based): chr9:93,289,384, T>C. VCF-style: chr9-93289384-T-C. GRCh37 (hg19) VCF-style: chr9-96051666-T-C.
Other names: c.4741T>C, p.Phe1581Leu (NM_001282394.3); short protein forms F1544L, F1581L.
Identifiers: ClinVar variation 3816669 (VCV003816669.1).

ClinVar aggregate classification (germline): Uncertain significance (1 of 4 stars; one submission).

gnomAD v4.1: 4 of 1,612,568 alleles (0.00025%); highest among the groups gnomAD compares: East Asian, 0.0022%; no homozygotes.

Submission:

Ambry Genetics
Classification: Uncertain significance. Last evaluated: 2024-12-29. Review status: criteria provided, single submitter. Criteria: Ambry Variant Classification Scheme 2023. Collection method: clinical testing. Allele origin: germline.
Comment: The p.F1544L variant (also known as c.4630T>C), located in coding exon 19 of the WNK2 gene, results from a T to C substitution at nucleotide position 4630. The phenylalanine at codon 1544 is replaced by leucine, an amino acid with highly similar properties. This amino acid position is conserved. In addition, the in silico prediction for this alteration is inconclusive. Based on the available evidence, the clinical significance of this variant remains unclear.